The following is an entry in ClinVar:

NM_000264.5(PTCH1):c.1002T>C (p.Tyr334=)

Gene: PTCH1 (patched 1; minus strand). Cytogenetic location: 9q22.32.
Variant type: single nucleotide variant.
Coding change: c.1002T>C on transcript NM_000264.5 (MANE Select); coding-DNA position 1002, T replaced by C.
Protein change: p.Tyr334=; no amino-acid change (tyrosine 334 retained).
Molecular consequence: synonymous variant. On other transcripts: non-coding transcript variant (1).
Genome position (GRCh38, 1-based): chr9:95,480,034, A>G on the plus strand (T>C on the coding strand, the complement: PTCH1 is on the minus strand). VCF-style: chr9-95480034-A-G. GRCh37 (hg19) VCF-style: chr9-98242316-A-G.
Other names: c.804T>C, p.Tyr268= (NM_001083602.3); c.999T>C, p.Tyr333= (NM_001083603.3); c.549T>C, p.Tyr183= (NM_001083604.3, NM_001083605.3, NM_001083606.3 and 1 more transcripts); c.1002T>C, p.Tyr334= (NM_001354918.2).
Identifiers: ClinVar variation 237447 (VCV000237447.17), dbSNP rs145867500, ClinGen allele CA5138790.

ClinVar aggregate classification (germline): Likely benign. Review status: criteria provided, multiple submitters, no conflicts (2 of 4 stars). 3 submissions from 3 submitters: Likely benign (3). Last evaluated 2026-01-11.

Conditions:
Hereditary cancer-predisposing syndrome. Also called: Neoplastic Syndromes, Hereditary; Hereditary neoplastic syndrome; Hereditary Cancer Syndrome; Tumor predisposition. Identifiers: Orphanet 140162, MedGen C0027672, MeSH D009386, MONDO:0015356.
Gorlin syndrome. Also called: Nevoid Basal Cell Carcinoma Syndrome; Basal cell nevus syndrome. Identifiers: Orphanet 377, MedGen C0004779, MONDO:0007187.
PTCH1-related disorder. Also called: PTCH1-related disorders; PTCH1-related condition.

Allele frequency attached by ClinVar (database versions not stated): gnomAD exomes 0.00001 and 0.00004; ExAC 0.00002; TOPMed 0.00009; ESP Exome Variant Server 0.00015; gnomAD 0.00008 and 0.00009.
gnomAD v4.1: 33 of 1,614,078 alleles (0.002%); highest among the groups gnomAD compares: African/African-American, 0.031%; no homozygotes.

Submissions (3):

Labcorp Genetics (formerly Invitae), Labcorp
Classification: Likely benign for Gorlin syndrome. Last evaluated: 2026-01-11. Review status: criteria provided, single submitter. Criteria: Invitae Variant Classification Sherloc (09022015). Collection method: clinical testing. Allele origin: germline.

PreventionGenetics, part of Exact Sciences
Classification: Likely benign for PTCH1-related condition. Last evaluated: 2025-06-09. Review status: criteria provided, single submitter. Criteria: ACMG Guidelines, 2015. Collection method: clinical testing. Allele origin: germline.
Comment: This variant is classified as likely benign based on ACMG/AMP sequence variant interpretation guidelines (Richards et al. 2015 PMID: 25741868, with internal and published modifications).

Ambry Genetics
Classification: Likely benign for Hereditary cancer-predisposing syndrome. Last evaluated: 2019-08-20. Review status: criteria provided, single submitter. Criteria: Ambry Variant Classification Scheme 2023. Collection method: clinical testing. Allele origin: germline.